The following is an entry in ClinVar:

NM_000421.5(KRT10):c.461A>G (p.Asn154Ser)

Genes: KRT10 (keratin 10; minus strand), KRT10-AS1 (KRT10 antisense RNA 1; plus strand). Cytogenetic location: 17q21.2.
Variant type: single nucleotide variant.
Coding change: c.461A>G on transcript NM_000421.5 (MANE Select); coding-DNA position 461, A replaced by G.
Protein change: p.Asn154Ser; replaces asparagine 154 with serine.
Molecular consequence: missense variant.
Genome position (GRCh38, 1-based): chr17:40,822,125, T>C on the plus strand (A>G on the coding strand, the complement: KRT10 is on the minus strand). VCF-style: chr17-40822125-T-C. GRCh37 (hg19) VCF-style: chr17-38978377-T-C.
Other names: c.461A>G, p.Asn154Ser (NM_001379366.1); short protein forms N154S.
Identifiers: ClinVar variation 1489919 (VCV001489919.6), dbSNP rs2143150923, ClinGen allele CA399394803.
Genomic context (GRCh38, chr17:40,822,125, plus strand): 5'-AGCTCATAGTTTGATTCTTCCAGAGCCCGAACTTTGTCCAAGTAGGAAGCCAGGCGGTCA[T>C]TCAGATTCTGCATGGTTACTTTTTCATTTCCAGAGAGAAGGCCACCATCTCCTCCAAATC-3'
Protein context (NP_000412.4, residues 144-164): GNEKVTMQNL[Asn154Ser]DRLASYLDKV

ClinVar aggregate classification (germline): Likely pathogenic (1 of 4 stars; one submission).

Submission:

Labcorp Genetics (formerly Invitae), Labcorp
Classification: Likely pathogenic. Last evaluated: 2021-09-15. Review status: criteria provided, single submitter. Criteria: Invitae Variant Classification Sherloc (09022015). Collection method: clinical testing. Allele origin: germline.
Comment: This sequence change replaces asparagine with serine at codon 154 of the KRT10 protein (p.Asn154Ser). The asparagine residue is highly conserved and there is a small physicochemical difference between asparagine and serine. Advanced modeling of protein sequence and biophysical properties (such as structural, functional, and spatial information, amino acid conservation, physicochemical variation, residue mobility, and thermodynamic stability) performed at Invitae indicates that this missense variant is expected to disrupt KRT10 protein function. This missense change has been observed in individual(s) with autosomal dominant congenital bullous ichthyosiform erythroderma (Invitae). This variant is not present in population databases (ExAC no frequency). In summary, the currently available evidence indicates that the variant is pathogenic, but additional data are needed to prove that conclusively. Therefore, this variant has been classified as Likely Pathogenic. This variant disrupts the p.Asn54 amino acid residue in KRT10. Other variant(s) that disrupt this residue have been determined to be pathogenic (PMID: 7508181). This suggests that this residue is clinically significant, and that variants that disrupt this residue are likely to be disease-causing.

Literature cited by the submitters: PubMed 7508181.